The following is an entry in ClinVar:

NM_080680.3(COL11A2):c.2376+1G>A

Gene: COL11A2 (collagen type XI alpha 2 chain; minus strand). Cytogenetic location: 6p21.32.
Variant type: single nucleotide variant.
Coding change: c.2376+1G>A on transcript NM_080680.3 (MANE Select); the canonical splice donor site of the intron after coding-DNA position 2376, G replaced by A.
Molecular consequence: splice donor variant.
Genome position (GRCh38, 1-based): chr6:33,175,573, C>T on the plus strand (G>A on the coding strand, the complement: COL11A2 is on the minus strand). VCF-style: chr6-33175573-C-T. GRCh37 (hg19) VCF-style: chr6-33143350-C-T.
Other names: c.2055+1G>A (NM_080679.3); c.2118+1G>A (NM_080681.3).
Identifiers: ClinVar variation 1324098 (VCV001324098.8), dbSNP rs2150565478, ClinGen allele CA363646144.

ClinVar aggregate classification (germline): Conflicting classifications of pathogenicity. Review status: criteria provided, conflicting classifications (1 of 4 stars). 2 submissions from 2 submitters: Likely pathogenic (1); Uncertain significance (1). Last evaluated 2025-10-22.

Conditions:
Monogenic hearing loss.

gnomAD v4.1: 2 of 1,612,608 alleles (0.00012%); highest among the groups gnomAD compares: Non-Finnish European, 0.00017%; no homozygotes.

Submissions (2):

Genetics Laboratory, Great Ormond Street Hospital NHS Foundation Trust, North Thames Genomic Laboratory Hub
Classification: Uncertain significance for Monogenic hearing loss. Last evaluated: 2025-10-22. Review status: criteria provided, single submitter. Criteria: ACGS Best Practice Guidelines for Variant Classification in Rare Disease 2024 v1.2. Collection method: clinical testing. Allele origin: germline. Affected: yes.
Comment: PM2_moderate, PVS1_moderate

Labcorp Genetics (formerly Invitae), Labcorp
Classification: Likely pathogenic. Last evaluated: 2022-05-16. Review status: criteria provided, single submitter. Criteria: Invitae Variant Classification Sherloc (09022015). Collection method: clinical testing. Allele origin: germline.
Comment: ClinVar contains an entry for this variant (Variation ID: 1324098). This variant has not been reported in the literature in individuals affected with COL11A2-related conditions. This variant is not present in population databases (gnomAD no frequency). This sequence change affects a donor splice site in intron 30 of the COL11A2 gene. It is expected to disrupt RNA splicing. Variants that disrupt the donor or acceptor splice site typically lead to a loss of protein function (PMID: 16199547), and loss-of-function variants in COL11A2 are known to be pathogenic (PMID: 10677296, 21204229). Algorithms developed to predict the effect of sequence changes on RNA splicing suggest that this variant may disrupt the consensus splice site. In summary, the currently available evidence indicates that the variant is pathogenic, but additional data are needed to prove that conclusively. Therefore, this variant has been classified as Likely Pathogenic.

Literature cited by the submitters: PubMed 16199547 (cited by Labcorp Genetics (formerly Invitae), Labcorp); PubMed 10677296 (cited by Labcorp Genetics (formerly Invitae), Labcorp); PubMed 21204229 (cited by Labcorp Genetics (formerly Invitae), Labcorp).